The following is an entry in ClinVar:

ClinVar aggregate classification (germline): Conflicting classifications of pathogenicity. Review status: criteria provided, conflicting classifications (1 of 4 stars). 6 submissions from 6 submitters: Pathogenic (2); Benign (3). 1 of the submissions does not count toward it. Last evaluated 2026-02-04.

Conditions:
F5-related disorders.
Congenital factor V deficiency. Also called: Hereditary factor V deficiency disease; LABILE FACTOR DEFICIENCY; OWREN PARAHEMOPHILIA; PARAHEMOPHILIA. Identifiers: Orphanet 326, MedGen C0015499, MONDO:0009210, OMIM 227400.

Allele frequency attached by ClinVar (database versions not stated): gnomAD exomes 0.97798; gnomAD 0.98238 and 0.98320; TOPMed 0.98326; 1000 Genomes Project 30x 0.99407.

Submissions (6):

Labcorp Genetics (formerly Invitae), Labcorp
Classification: Benign for Congenital factor V deficiency. Last evaluated: 2026-02-04. Review status: criteria provided, single submitter. Criteria: Invitae Variant Classification Sherloc (09022015). Collection method: clinical testing. Allele origin: germline.

Blueprint Genetics
Classification: Pathogenic for F5-related disorders. Last evaluated: 2024-11-26. Review status: criteria provided, single submitter. Criteria: ACMG Guidelines, 2015. Collection method: clinical testing. Allele origin: germline. Affected: yes. Observed: 5 variant alleles.

CeGaT Center for Human Genetics Tuebingen
Classification: Pathogenic. Last evaluated: 2022-02-01. Review status: criteria provided, single submitter. Criteria: Praxis fuer Humangenetik Tuebingen - Variant Classification Criteria. Collection method: clinical testing. Allele origin: germline. Affected: yes. Observed: 13 variant alleles.

GeneDx
Classification: Benign. Last evaluated: 2018-06-16. Review status: criteria provided, single submitter. Criteria: GeneDx Variant Classification (06012015). Collection method: clinical testing. Allele origin: germline. Affected: yes.
Comment: This variant is considered likely benign or benign based on one or more of the following criteria: it is a conservative change, it occurs at a poorly conserved position in the protein, it is predicted to be benign by multiple in silico algorithms, and/or has population frequency not consistent with disease.

Breakthrough Genomics
Classification: Benign. Review status: criteria provided, single submitter. Criteria: ACMG Guidelines, 2015. Collection method: not provided. Allele origin: germline. Inheritance: Multifactorial inheritance. Affected: yes.

Department of Pathology and Laboratory Medicine, Sinai Health System
Classification: Pathogenic. Review status: no assertion criteria provided. Collection method: clinical testing. Allele origin: unknown. Affected: yes. Study: The Canadian Open Genetics Repository (COGR). Not counted in ClinVar's aggregate classification.
Comment: The F5 p.Arg534Gln variant is commonly known as the Factor V Leiden variant, and is known to cause an increased risk of venous thromboembolism (VTE). The reported risk of venous thromboembolism (VTE) is increased 3-8 fold in heterozygotes, and is increased 9-80 fold in homozygotes. The Leiden variant also results in an increased risk of pregnancy-related VTE and an increased risk of cerebral venous thrombosis in children (Kujovich_1999_PMID:20301542). The variant was identified in dbSNP (ID: rs6025) and ClinVar (classified as pathogenic by Invitae, Knight Diagnostic Laboratories and Human Genome Sequencing Center Clinical Lab,Baylor College of Medicine, as benign by GeneDx and as a risk factor by Laboratory for Molecular Medicine). The variant was identified in control databases in 2511 of 143302 chromosomes (31 homozygous) at a frequency of 0.01752 (Genome Aggregation Database March 6, 2019, v3). The variant was observed in the following populations: Amish in 77 of 900 chromosomes (freq: 0.08556), European (non-Finnish) in 1724 of 64578 chromosomes (freq: 0.0267), European (Finnish) in 250 of 10472 chromosomes (freq: 0.02387), Ashkenazi Jewish in 70 of 3324 chromosomes (freq: 0.02106), South Asian in 40 of 3052 chromosomes (freq: 0.01311), Other in 23 of 2152 chromosomes (freq: 0.01069), Latino in 131 of 13662 chromosomes (freq: 0.009589), and African in 196 of 42032 chromosomes (freq: 0.004663), but was not observed in the East Asian population. The p.Arg534 residue is not conserved in mammals and computational analyses (PolyPhen-2, SIFT, AlignGVGD, BLOSUM, MutationTaster) provide inconsistent predictions regarding the impact to the protein. The variant occurs outside of the splicing consensus sequence and three of four in silico or computational prediction software programs (SpliceSiteFinder, MaxEntScan, NNSPLICE, GeneSplicer) do not predict a difference in splicing. The variant is located in one of three activated protein C (APC) cleavage sites in the factor V protein; functional analysis of this variant has demonstrated resistant to APC cleavage leading to a poor anticoagulant response (Balinda_1994_PMID:8164741; Kujovich_1999_PMID:20301542). In summary, based on the above information this variant meets our laboratoryâ€šÃ„Ã´s criteria to be classified as pathogenic.

NM_000130.5(F5):c.1601= (p.Arg534=)

Gene: F5 (coagulation factor V; minus strand). Cytogenetic location: 1q24.2.
Variant type: single nucleotide variant.
Coding change: c.1601= on transcript NM_000130.5 (MANE Select); coding-DNA position 1601, no change from the reference sequence.
Protein change: p.Arg534=; no amino-acid change (arginine 534 retained).
Molecular consequence: no sequence alteration.
Genome position: GRCh38 VCF-style: chr1-169549811-C-C. GRCh37 (hg19) VCF-style: chr1-169519049-T-C.
Identifiers: ClinVar variation 226007 (VCV000226007.28), dbSNP rs6025.